The following is an entry in ClinVar:

ClinVar aggregate classification (germline): Uncertain significance. Review status: criteria provided, multiple submitters, no conflicts (2 of 4 stars). 2 submissions from 2 submitters: Uncertain significance (2). Last evaluated 2025-09-03.

Conditions:
Van Maldergem syndrome 1 (VMLDS1). Also called: Van Maldergem syndrome 1 (VMLDS1). Identifiers: Orphanet 314679, MedGen C4551950, MONDO:0011070, OMIM 601390.

Allele frequency attached by ClinVar (database versions not stated): ExAC 0.00001.
gnomAD v4.1: 6 of 1,613,734 alleles (0.00037%); highest among the groups gnomAD compares: South Asian, 0.0055%; no homozygotes.

Submissions (2):

Labcorp Genetics (formerly Invitae), Labcorp
Classification: Uncertain significance. Last evaluated: 2025-09-03. Review status: criteria provided, single submitter. Criteria: Invitae Variant Classification Sherloc (09022015). Collection method: clinical testing. Allele origin: germline.
Comment: This sequence change replaces arginine, which is basic and polar, with glutamine, which is neutral and polar, at codon 132 of the DCHS1 protein (p.Arg132Gln). This variant is present in population databases (rs771891400, gnomAD 0.006%). This variant has not been reported in the literature in individuals affected with DCHS1-related conditions. ClinVar contains an entry for this variant (Variation ID: 2585379). Invitae Evidence Modeling of protein sequence and biophysical properties (such as structural, functional, and spatial information, amino acid conservation, physicochemical variation, residue mobility, and thermodynamic stability) indicates that this missense variant is not expected to disrupt DCHS1 protein function with a negative predictive value of 95%. In summary, the available evidence is currently insufficient to determine the role of this variant in disease. Therefore, it has been classified as a Variant of Uncertain Significance.

Neuberg Centre For Genomic Medicine, NCGM
Classification: Uncertain significance for Van Maldergem syndrome 1. Review status: criteria provided, single submitter. Criteria: ACMG Guidelines, 2015. Collection method: clinical testing. Allele origin: germline. Inheritance: Autosomal recessive inheritance. Affected: yes.
Comment: The missense c.395G>A(p.Arg132Gln) variant in DCHS1 gene has not been reported previously as a pathogenic variant nor as a benign variant, to our knowledge. This variant is reported with the allele frequency 0.0007% in the gnomAD and novel in 1000 genome. The amino acid Arg at position 132 is changed to a Gln changing protein sequence and it might alter its composition and physico-chemical properties. The variant is predicted to be damaging by PolyPhen2 and the residue is conserved across species. The amino acid change p.Arg132Gln in DCHS1 is predicted as conserved by GERP++ and PhyloP across 100 vertebrates. For these reasons, this variant has been classified as Uncertain Significance.

NM_003737.4(DCHS1):c.395G>A (p.Arg132Gln)

Gene: DCHS1 (dachsous cadherin-related 1; minus strand). Cytogenetic location: 11p15.4.
Variant type: single nucleotide variant.
Coding change: c.395G>A on transcript NM_003737.4 (MANE Select); coding-DNA position 395, G replaced by A.
Protein change: p.Arg132Gln; replaces arginine 132 with glutamine.
Molecular consequence: missense variant.
Genome position (GRCh38, 1-based): chr11:6,641,219, C>T on the plus strand (G>A on the coding strand, the complement: DCHS1 is on the minus strand). VCF-style: chr11-6641219-C-T. GRCh37 (hg19) VCF-style: chr11-6662450-C-T.
Other names: short protein forms R132Q.
Identifiers: ClinVar variation 2585379 (VCV002585379.2), dbSNP rs771891400, ClinGen allele CA5861158.